The following is an entry in ClinVar:

NM_014244.5(ADAMTS2):c.661C>G (p.Leu221Val)

Gene: ADAMTS2 (ADAM metallopeptidase with thrombospondin type 1 motif 2; minus strand). Cytogenetic location: 5q35.3.
Variant type: single nucleotide variant.
Coding change: c.661C>G on transcript NM_014244.5 (MANE Select); coding-DNA position 661, C replaced by G.
Protein change: p.Leu221Val; replaces leucine 221 with valine.
Molecular consequence: missense variant.
Genome position (GRCh38, 1-based): chr5:179,272,938, G>C on the plus strand (C>G on the coding strand, the complement: ADAMTS2 is on the minus strand). VCF-style: chr5-179272938-G-C. GRCh37 (hg19) VCF-style: chr5-178699939-G-C.
Other names: c.661C>G, p.Leu221Val (NM_021599.4); short protein forms L221V.
Identifiers: ClinVar variation 353140 (VCV000353140.10), dbSNP rs756807336, ClinGen allele CA3596239.

ClinVar aggregate classification (germline): Uncertain significance. Review status: criteria provided, multiple submitters, no conflicts (2 of 4 stars). 4 submissions from 4 submitters: Uncertain significance (3). 1 of the submissions does not count toward it. Last evaluated 2024-06-17.

Conditions:
Ehlers-Danlos syndrome, dermatosparaxis type. Also called: EDS VIIC; Dermatosparaxis; Ehlers-Danlos syndrome, type VII, autosomal recessive. Identifiers: Orphanet 1901, MedGen C2700425, MONDO:0009161, OMIM 225410.
Inborn genetic diseases. Identifiers: MedGen C0950123, MeSH D030342.

Allele frequency attached by ClinVar (database versions not stated): gnomAD 0.00001; TOPMed 0.00003.
gnomAD v4.1: 32 of 1,611,236 alleles (0.002%); highest among the groups gnomAD compares: Non-Finnish European, 0.00017%; no homozygotes.

Submissions (4):

Ambry Genetics
Classification: Uncertain significance for Inborn genetic diseases. Last evaluated: 2024-06-17. Review status: criteria provided, single submitter. Criteria: Ambry Variant Classification Scheme 2023. Collection method: clinical testing. Allele origin: germline.

Labcorp Genetics (formerly Invitae), Labcorp
Classification: Uncertain significance for Ehlers-Danlos syndrome, dermatosparaxis type. Last evaluated: 2022-07-25. Review status: criteria provided, single submitter. Criteria: Invitae Variant Classification Sherloc (09022015). Collection method: clinical testing. Allele origin: germline.
Comment: This sequence change replaces leucine, which is neutral and non-polar, with valine, which is neutral and non-polar, at codon 221 of the ADAMTS2 protein (p.Leu221Val). This variant is present in population databases (rs756807336, gnomAD 0.1%). This variant has not been reported in the literature in individuals affected with ADAMTS2-related conditions. ClinVar contains an entry for this variant (Variation ID: 353140). Algorithms developed to predict the effect of missense changes on protein structure and function output the following: SIFT: "Tolerated"; PolyPhen-2: "Benign"; Align-GVGD: "Class C0". The valine amino acid residue is found in multiple mammalian species, which suggests that this missense change does not adversely affect protein function. In summary, the available evidence is currently insufficient to determine the role of this variant in disease. Therefore, it has been classified as a Variant of Uncertain Significance.

Illumina Laboratory Services, Illumina
Classification: Uncertain significance for Ehlers-Danlos syndrome, dermatosparaxis type. Last evaluated: 2018-01-13. Review status: criteria provided, single submitter. Criteria: ICSL Variant Classification Criteria 13 December 2019. Collection method: clinical testing. Allele origin: germline.

Natera, Inc.
Classification: Likely benign for Ehlers-Danlos syndrome type VIIC. Last evaluated: 2019-10-28. Review status: no assertion criteria provided. Collection method: clinical testing. Allele origin: germline. Not counted in ClinVar's aggregate classification.